The following is an entry in ClinVar:

ClinVar aggregate classification (germline): Likely pathogenic. Review status: criteria provided, multiple submitters, no conflicts (2 of 4 stars). 2 submissions from 2 submitters: Likely pathogenic (2). Last evaluated 2025-04-08.

Conditions:
Phenylketonuria (PKU). Also called: Phenylketonurias; FOLLING DISEASE; OLIGOPHRENIA PHENYLPYRUVICA; Phenylketonuria (PKU). Identifiers: Orphanet 716, MedGen C0031485, MONDO:0009861, OMIM 261600. Disease mechanism: loss of function.

Submissions (2):

Natera, Inc.
Classification: Likely pathogenic for Phenylketonuria. Last evaluated: 2025-04-08. Review status: criteria provided, single submitter. Criteria: Natera Variant Classification Schema (03/2026). Collection method: clinical testing. Allele origin: germline.
Comment: The c.256del variant in PAH is a frameshift variant predicted to shift the reading frame beginning at codon 86 and leads to a stop codon 6 codons downstream. This variant is expected to result in nonsense mediated decay, truncation, or a dysfunctional protein product. This variant is rare in the general population with a frequency below the threshold expected for the associated phenotype(s). Given the available evidence, this variant is classified as Likely Pathogenic.

Baylor Genetics
Classification: Likely pathogenic for Phenylketonuria. Last evaluated: 2023-02-16. Review status: criteria provided, single submitter. Criteria: ACMG Guidelines, 2015. Collection method: clinical testing. Allele origin: unknown.

NM_000277.3(PAH):c.256del (p.Arg86fs)

Gene: PAH (phenylalanine hydroxylase; minus strand). Cytogenetic location: 12q23.2.
Variant type: Deletion.
Coding change: c.256del on transcript NM_000277.3 (MANE Select); coding-DNA position 256, one base deleted (C; older notation c.256delC).
Protein change: p.Arg86fs; shifts the reading frame from arginine 86.
Molecular consequence: frameshift variant.
Genome position (GRCh38, 1-based): chr12:102,894,831, G deleted on the plus strand (C on the coding strand, the reverse complement: PAH is on the minus strand). VCF-style (leftmost placement, unchanged base first): chr12-102894830-CG-C. GRCh37 (hg19) VCF-style: chr12-103288608-CG-C.
Other names: c.256del, p.Arg86fs (NM_001354304.2); c.256del (NM_000277.2); short protein forms R86fs.
Identifiers: ClinVar variation 2677437 (VCV002677437.3), dbSNP rs2499521460, ClinGen allele CA2695199173.